The following is an entry in ClinVar:

ClinVar aggregate classification (germline): Uncertain significance. Review status: criteria provided, multiple submitters, no conflicts (2 of 4 stars). 3 submissions from 3 submitters: Uncertain significance (3). Last evaluated 2023-04-11.

Conditions:
Microcephaly 5, primary, autosomal recessive (MCPH5). Also called: ASPM Primary Microcephaly. Identifiers: Orphanet 2512, MedGen C1837501, MONDO:0012106, OMIM 608716.

Allele frequency attached by ClinVar (database versions not stated): gnomAD 0.00001; gnomAD exomes 0.00001; TOPMed 0.00001; ExAC 0.00002; ESP Exome Variant Server 0.00015.
gnomAD v4.1: 75 of 1,611,558 alleles (0.0047%); highest among the groups gnomAD compares: Non-Finnish European, 0.0064%; no homozygotes.

Submissions (3):

Genome-Nilou Lab
Classification: Uncertain significance for Microcephaly 5, primary, autosomal recessive. Last evaluated: 2023-04-11. Review status: criteria provided, single submitter. Criteria: ACMG Guidelines, 2015. Collection method: clinical testing. Allele origin: germline. Affected: no.

GeneDx
Classification: Uncertain significance. Last evaluated: 2019-07-29. Review status: criteria provided, single submitter. Criteria: GeneDx Variant Classification Process June 2021. Collection method: clinical testing. Allele origin: germline. Affected: yes.
Comment: Not observed at a significant frequency in large population cohorts (Lek et al., 2016); In silico analysis, which includes protein predictors and evolutionary conservation, supports that this variant does not alter protein structure/function; Has not been previously published as pathogenic or benign to our knowledge

Illumina Laboratory Services, Illumina
Classification: Uncertain significance for Microcephaly 5, primary, autosomal recessive. Last evaluated: 2018-01-13. Review status: criteria provided, single submitter. Criteria: ICSL Variant Classification Criteria 13 December 2019. Collection method: clinical testing. Allele origin: germline.

NM_018136.5(ASPM):c.8206T>G (p.Leu2736Val)

Gene: ASPM (assembly factor for spindle microtubules; minus strand). Cytogenetic location: 1q31.3.
Variant type: single nucleotide variant.
Coding change: c.8206T>G on transcript NM_018136.5 (MANE Select); coding-DNA position 8206, T replaced by G.
Protein change: p.Leu2736Val; replaces leucine 2736 with valine.
Molecular consequence: missense variant. On other transcripts: intron variant (1).
Genome position (GRCh38, 1-based): chr1:197,101,045, A>C on the plus strand (T>G on the coding strand, the complement: ASPM is on the minus strand). VCF-style: chr1-197101045-A-C. GRCh37 (hg19) VCF-style: chr1-197070175-A-C.
Other names: c.4066-4881T>G (NM_001206846.2); short protein forms L2736V.
Identifiers: ClinVar variation 874821 (VCV000874821.6), dbSNP rs140656421, ClinGen allele CA1309265.
Genomic context (GRCh38, chr1:197,101,045, plus strand): 5'-GTCTAACTTTCATGCCTCTAAAAGCAGCCTGAATAGTTCGTACAGATTTCTGAACTGCTA[A>C]AAAGTTTTTTCTTTCTGTTTTTACTCTAACATACAACCTATAATAATTCTGTATAACCAC-3'
Protein context (NP_060606.3, residues 2726-2746): VRVKTERKNF[Leu2736Val]AVQKSVRTIQ